The following is an entry in ClinVar:

NM_153603.4(COG7):c.1167G>A (p.Gln389=)

Gene: COG7 (component of oligomeric golgi complex 7; minus strand). Cytogenetic location: 16p12.2.
Variant type: single nucleotide variant.
Coding change: c.1167G>A on transcript NM_153603.4 (MANE Select); coding-DNA position 1167, G replaced by A.
Protein change: p.Gln389=; no amino-acid change (glutamine 389 retained).
Molecular consequence: synonymous variant.
Genome position (GRCh38, 1-based): chr16:23,417,092, C>T on the plus strand (G>A on the coding strand, the complement: COG7 is on the minus strand). VCF-style: chr16-23417092-C-T. GRCh37 (hg19) VCF-style: chr16-23428413-C-T.
Identifiers: ClinVar variation 885834 (VCV000885834.9), dbSNP rs201313774, ClinGen allele CA7961059.

ClinVar aggregate classification (germline): Conflicting classifications of pathogenicity. Review status: criteria provided, conflicting classifications (1 of 4 stars). 3 submissions from 3 submitters: Uncertain significance (1); Likely benign (2). Last evaluated 2026-01-02.

Conditions:
COG7 congenital disorder of glycosylation (CDG2E). Also called: CONGENITAL DISORDER OF GLYCOSYLATION, TYPE IIe; CDG IIe. Identifiers: Orphanet 79333, MedGen C2931010, MONDO:0012118, OMIM 608779.
COG7-related disorder. Also called: COG7-related condition.

Allele frequency attached by ClinVar (database versions not stated): ExAC 0.00002; gnomAD 0.00003; gnomAD exomes 0.00003 and 0.00012; TOPMed 0.00005.
gnomAD v4.1: 175 of 1,614,102 alleles (0.011%); highest among the groups gnomAD compares: Non-Finnish European, 0.014%; no homozygotes.

Submissions (3):

Labcorp Genetics (formerly Invitae), Labcorp
Classification: Likely benign for COG7 congenital disorder of glycosylation. Last evaluated: 2026-01-02. Review status: criteria provided, single submitter. Criteria: Invitae Variant Classification Sherloc (09022015). Collection method: clinical testing. Allele origin: germline.

PreventionGenetics, part of Exact Sciences
Classification: Likely benign for COG7-related condition. Last evaluated: 2025-06-25. Review status: criteria provided, single submitter. Criteria: ACMG Guidelines, 2015. Collection method: clinical testing. Allele origin: germline.
Comment: This variant is classified as likely benign based on ACMG/AMP sequence variant interpretation guidelines (Richards et al. 2015 PMID: 25741868, with internal and published modifications).

Illumina Laboratory Services, Illumina
Classification: Uncertain significance for COG7 congenital disorder of glycosylation. Last evaluated: 2018-01-13. Review status: criteria provided, single submitter. Criteria: ICSL Variant Classification Criteria 13 December 2019. Collection method: clinical testing. Allele origin: germline.